The following is an entry in ClinVar:

ClinVar aggregate classification (germline): Likely benign (1 of 4 stars; one submission).

gnomAD v4.1: 3 of 1,591,554 alleles (0.00019%); highest among the groups gnomAD compares: Admixed American, 0.0053%; no homozygotes.

Submission:

CeGaT Center for Human Genetics Tuebingen
Classification: Likely benign. Last evaluated: 2024-07-01. Review status: criteria provided, single submitter. Criteria: CeGaT Center For Human Genetics Tuebingen Variant Classification Criteria Version 2. Collection method: clinical testing. Allele origin: germline. Affected: yes. Observed: 1 variant allele.
Comment: SMARCC2: BP4, BP7

NM_001330288.2(SMARCC2):c.876G>A (p.Lys292=)

Gene: SMARCC2 (SWI/SNF related BAF chromatin remodeling complex subunit C2; minus strand). Cytogenetic location: 12q13.2.
Variant type: single nucleotide variant.
Coding change: c.876G>A on transcript NM_001330288.2 (MANE Select); coding-DNA position 876, G replaced by A.
Protein change: p.Lys292=; no amino-acid change (lysine 292 retained).
Molecular consequence: synonymous variant.
Genome position (GRCh38, 1-based): chr12:56,181,562, C>T on the plus strand (G>A on the coding strand, the complement: SMARCC2 is on the minus strand). VCF-style: chr12-56181562-C-T. GRCh37 (hg19) VCF-style: chr12-56575346-C-T.
Other names: c.876G>A, p.Lys292= (NM_001130420.3, NM_003075.5, NM_139067.4).
Identifiers: ClinVar variation 3341987 (VCV003341987.16).